The following is an entry in ClinVar:

NM_001356.5(DDX3X):c.1438A>G (p.Arg480Gly)

Gene: DDX3X (DEAD-box helicase 3 X-linked; plus strand). Cytogenetic location: Xp11.4.
Variant type: single nucleotide variant.
Coding change: c.1438A>G on transcript NM_001356.5 (MANE Select); coding-DNA position 1438, A replaced by G.
Protein change: p.Arg480Gly; replaces arginine 480 with glycine.
Molecular consequence: missense variant. On other transcripts: non-coding transcript variant (1).
Genome position (GRCh38, 1-based): chrX:41,346,351, A>G. VCF-style: chrX-41346351-A-G. GRCh37 (hg19) VCF-style: chrX-41205604-A-G.
Other names: c.1438A>G, p.Arg480Gly (NM_001193416.3); c.1390A>G, p.Arg464Gly (NM_001193417.3); c.880A>G, p.Arg294Gly (NM_001363819.1); short protein forms R480G, R294G, R464G.
Identifiers: ClinVar variation 424151 (VCV000424151.5), dbSNP rs1064796827, ClinGen allele CA16621389.

ClinVar aggregate classification (germline): Pathogenic/Likely pathogenic. Review status: criteria provided, multiple submitters, no conflicts (2 of 4 stars). 2 submissions from 2 submitters: Pathogenic (1); Likely pathogenic (1). Last evaluated 2022-01-12.

Conditions:
Intellectual disability, X-linked 102 (MRXSSB). Also called: Intellectual developmental disorder, X-linked syndromic, Snijders Blok type. Identifiers: Orphanet 457260, MedGen C5393299, MONDO:0010497, OMIM 300958.

Submissions (2):

Revvity Omics, Revvity
Classification: Likely pathogenic for Intellectual disability, X-linked 102. Last evaluated: 2022-01-12. Review status: criteria provided, single submitter. Criteria: ACMG Guidelines, 2015. Collection method: clinical testing. Allele origin: germline.

GeneDx
Classification: Pathogenic. Last evaluated: 2017-10-16. Review status: criteria provided, single submitter. Criteria: GeneDx Variant Classification (06012015). Collection method: clinical testing. Allele origin: germline. Affected: yes.
Comment: The R480G variant in the DDX3X gene has not been reported previously as a pathogenic variant, nor as a benign variant, to our knowledge. The R480G variant is not observed in large population cohorts (Lek et al., 2016; 1000 Genomes Consortium et al., 2015; Exome Variant Server). The R480G variant is a non-conservative amino acid substitution, which is likely to impact secondary protein structure as these residues differ in polarity, charge, size and/or other properties. This substitution is located within the helicase C-terminal domain and occurs at a position that is conserved across species. In silico analysis predicts this variant is probably damaging to the protein structure/function. Therefore, we interpret R480G as a pathogenic variant.